The following is an entry in ClinVar:

ClinVar aggregate classification (germline): Uncertain significance (1 of 4 stars; one submission).

Conditions:
Primary dilated cardiomyopathy (DCM). Also called: Dilated Cardiomyopathy. Identifiers: Orphanet 217604, MedGen C0007193, MeSH D002311, MONDO:0005021, HP:0001644. Inheritance: Various modes of inheritance.

Allele frequency attached by ClinVar (database versions not stated): gnomAD exomes 0.00001.
gnomAD v4.1: 11 of 1,608,518 alleles (0.00068%); highest among the groups gnomAD compares: Non-Finnish European, 0.00094%; no homozygotes.

Submission:

Molecular Genetics, Royal Melbourne Hospital
Classification: Uncertain significance for Primary dilated cardiomyopathy. Last evaluated: 2024-03-01. Review status: criteria provided, single submitter. Criteria: ACMG Guidelines, 2015. Collection method: clinical testing. Allele origin: germline. Inheritance: Autosomal dominant inheritance. Affected: yes.
Comment: This sequence change in TNNI3K is a nonsense variant predicted to cause a premature stop codon, p.(Leu31*), that is located within the start-proximal nonsense-mediated decay insensitivity region which may lead to reinitiation of translation at a downstream start codon (PMID: 27618451). Furthermore, loss of function is not an established disease mechanism for TNNI3K (PMID: 37325914, 37199186). The highest population minor allele frequency in the population database gnomAD v4.0 is 0.001% (11/1,108,416 alleles) in the European (non-Finnish) population, which is consistent with dilated cardiomyopathy. To our knowledge, this variant has not been previously reported in the relevant scientific literature or databases. Based on the classification scheme RMH Modified ACMG/AMP Guidelines v1.6.1, this variant is classified as a VARIANT OF UNCERTAIN SIGNIFICANCE. Following criteria are met: PM2_Supporting.

Literature cited by the submitters: PubMed 27618451; PubMed 37199186; PubMed 37325914.

NM_015978.3(TNNI3K):c.92T>G (p.Leu31Ter)

Genes: FPGT-TNNI3K (FPGT-TNNI3K readthrough; plus strand), TNNI3K (TNNI3 interacting kinase; plus strand). Cytogenetic location: 1p31.1.
Variant type: single nucleotide variant.
Coding change: c.92T>G on transcript NM_015978.3 (MANE Select); coding-DNA position 92, T replaced by G.
Protein change: p.Leu31Ter; replaces leucine 31 with a stop codon.
Molecular consequence: nonsense.
Genome position (GRCh38, 1-based): chr1:74,236,153, T>G. VCF-style: chr1-74236153-T-G. GRCh37 (hg19) VCF-style: chr1-74701837-T-G.
Other names: c.395T>G, p.Leu132Ter (NM_001112808.3, NM_001199327.2); short protein forms L132*, L31*.
Identifiers: ClinVar variation 3068614 (VCV003068614.1), dbSNP rs1397678696, ClinGen allele CA340787073.